The following is an entry in ClinVar:

ClinVar aggregate classification (germline): Conflicting classifications of pathogenicity. Review status: criteria provided, conflicting classifications (1 of 4 stars). 6 submissions from 6 submitters: Uncertain significance (4); Likely benign (1). 1 of the submissions does not count toward it. Last evaluated 2026-07-01.

Conditions:
Autosomal recessive nonsyndromic hearing loss 12. Also called: DEAFNESS, AUTOSOMAL RECESSIVE 12. Identifiers: Orphanet 90636, MedGen C1832394, MONDO:0011067, OMIM 601386.
Pituitary adenoma 5, multiple types. Identifiers: MedGen C4539685, MONDO:0054601, OMIM 617540.
Usher syndrome type 1D (USH1D). Also called: USHER SYNDROME, TYPE ID. Identifiers: Orphanet 231169, Orphanet 886, MedGen C1832845, MONDO:0010984, OMIM 601067.
CDH23-related disorder. Also called: CDH23-related condition; CDH23-related disorders.
Usher syndrome type 1 (USH1). Also called: RETINITIS PIGMENTOSA AND CONGENITAL DEAFNESS. Identifiers: Orphanet 231169, Orphanet 886, MedGen C1568247, MONDO:0010168, OMIM 276900.

Allele frequency attached by ClinVar (database versions not stated): TOPMed 0.00005; 1000 Genomes Project 30x 0.00031; 1000 Genomes Project 0.00040.
gnomAD v4.1: 48 of 1,610,290 alleles (0.003%); highest among the groups gnomAD compares: East Asian, 0.071%; no homozygotes.

Submissions (6):

PreventionGenetics, part of Exact Sciences
Classification: Uncertain significance for CDH23-related condition. Last evaluated: 2026-07-01. Review status: criteria provided, single submitter. Criteria: ACMG Guidelines, 2015. Collection method: clinical testing. Allele origin: germline.
Comment: The CDH23 c.6654C>A variant is predicted to result in the amino acid substitution p.Asp2218Glu. This variant was reported along with a second potentially causative CDH23 variant in an individual with hearing loss (Table S2, Ma et al. 2023. PubMed ID: 36597107). This variant is reported in 0.12% of alleles in individuals of East Asian descent in gnomAD. Although we suspect that this variant may be benign, at this time, the clinical significance of this variant is uncertain due to the absence of conclusive functional and genetic evidence.

Labcorp Genetics (formerly Invitae), Labcorp
Classification: Likely benign. Last evaluated: 2026-01-06. Review status: criteria provided, single submitter. Criteria: Invitae Variant Classification Sherloc (09022015). Collection method: clinical testing. Allele origin: germline.

Fulgent Genetics
Classification: Uncertain significance for Usher syndrome type 1D; Autosomal recessive nonsyndromic hearing loss 12; Pituitary adenoma 5, multiple types. Last evaluated: 2022-03-03. Review status: criteria provided, single submitter. Criteria: ACMG Guidelines, 2015. Collection method: clinical testing. Allele origin: unknown.

GeneDx
Classification: Uncertain significance. Last evaluated: 2020-02-28. Review status: criteria provided, single submitter. Criteria: GeneDx Variant Classification Process June 2021. Collection method: clinical testing. Allele origin: germline. Affected: yes.
Comment: In silico analysis supports that this missense variant does not alter protein structure/function; Has not been previously published as pathogenic or benign to our knowledge

Laboratory for Molecular Medicine, Mass General Brigham Personalized Medicine
Classification: Uncertain significance. Last evaluated: 2015-02-26. Review status: criteria provided, single submitter. Criteria: LMM Criteria. Collection method: clinical testing. Allele origin: germline. Observed: 1 variant allele.
Comment: The p.Asp2218Glu variant in CDH23 has not been previously reported in individual s with hearing loss, but has been identified in 0.1% (9/8502) of East Asian chro mosomes by the Exome Aggregation Consortium (ExAC, g; dbSNP rs537236734). Although this variant has been seen in the general popula tion, its frequency is not high enough to rule out a pathogenic role. Computatio nal prediction tools and conservation analysis suggest that this variant may imp act the protein, though this information is not predictive enough to determine p athogenicity. In summary, the clinical significance of the p.Asp2218Glu variant is uncertain.

Natera, Inc.
Classification: Uncertain significance for Usher syndrome type 1. Last evaluated: 2020-04-17. Review status: no assertion criteria provided. Collection method: clinical testing. Allele origin: germline. Not counted in ClinVar's aggregate classification.

NM_022124.6(CDH23):c.6654C>A (p.Asp2218Glu)

Gene: CDH23 (cadherin related 23; plus strand). Cytogenetic location: 10q22.1.
Variant type: single nucleotide variant.
Coding change: c.6654C>A on transcript NM_022124.6 (MANE Select); coding-DNA position 6654, C replaced by A.
Protein change: p.Asp2218Glu; replaces aspartic acid 2218 with glutamic acid.
Molecular consequence: missense variant.
Genome position (GRCh38, 1-based): chr10:71,793,582, C>A. VCF-style: chr10-71793582-C-A. GRCh37 (hg19) VCF-style: chr10-73553339-C-A.
Other names: short protein forms D2218E.
Identifiers: ClinVar variation 228499 (VCV000228499.14), dbSNP rs537236734, ClinGen allele CA5546141.
Genomic context (GRCh38, chr10:71,793,582, plus strand): 5'-CATTGACCACGACCTCAACCCAAAGCTAGAGTACCACATTGTCGGCATTGTGGCCAAGGA[C>A]GACACTGATCGCCTGGTGCCCAACCAGGAGGACGCCTTTGCTGTGAATATCAACACAGGT-3'
Protein context (NP_071407.4, residues 2208-2228): EYHIVGIVAK[Asp2218Glu]DTDRLVPNQE